The following is an entry in ClinVar:

ClinVar aggregate classification (germline): Uncertain significance (1 of 4 stars; one submission).

Conditions:
Leber congenital amaurosis 6 (LCA6). Identifiers: Orphanet 65, MedGen C1854260, MONDO:0013446, OMIM 613826.

Submission:

Foundation for Research in Genetics and Endocrinology, FRIGE's Institute of Human Genetics
Classification: Uncertain significance for Leber congenital amaurosis 6. Last evaluated: 2022-12-01. Review status: criteria provided, single submitter. Criteria: ACMG Guidelines, 2015. Collection method: clinical testing. Allele origin: germline. Inheritance: Autosomal recessive inheritance. Affected: yes.
Comment: A heterozygous 6 base pair deletion in Exon 15 of the RPGRIP1 gene that results in the in-frame deletion of amino acids (p.Ser601_Leu602del) was detected. This variant has not been reported in the 1000 genomes, gnomAD and our internal databases. The reference codons are conserved across species. In summary, the variant meets our criteria to be classified as variant of uncertain significance.

NM_020366.4(RPGRIP1):c.1800_1805del (p.Ser601_Leu602del)

Gene: RPGRIP1 (RPGR interacting protein 1; plus strand). Cytogenetic location: 14q11.2.
Variant type: Deletion.
Coding change: c.1800_1805del on transcript NM_020366.4 (MANE Select); coding-DNA positions 1800 to 1805, 6 bases deleted (GTCGTT; older notation c.1800_1805delGTCGTT).
Protein change: p.Ser601_Leu602del.
Molecular consequence: inframe deletion. On other transcripts: intron variant (3).
Genome position (GRCh38, 1-based): chr14:21,324,655-21,324,660, GTCGTT deleted; deleting any 6 consecutive bases within chr14:21,324,651-21,324,660 gives the same sequence; the c. name uses the placement nearest the transcript's 3' end. VCF-style (leftmost placement, unchanged base first): chr14-21324650-CCGTTGT-C. GRCh37 (hg19) VCF-style: chr14-21792809-CCGTTGT-C.
Other names: p.Ser601_Leu602del; c.726_731del, p.Ser243_Leu244del (NM_001377948.1, NM_001377949.1); c.688+2651_688+2656del (NM_001377523.1, NM_001377950.1); c.190+2651_190+2656del (NM_001377951.1).
Identifiers: ClinVar variation 1803782 (VCV001803782.2), dbSNP rs2502809678, ClinGen allele CA2580087811.